The following is an entry in ClinVar:

ClinVar aggregate classification (germline): Uncertain significance. Review status: criteria provided, multiple submitters, no conflicts (2 of 4 stars). 5 submissions from 5 submitters: Uncertain significance (5). Last evaluated 2025-09-15.

Conditions:
3-methylglutaconic aciduria with deafness, encephalopathy, and Leigh-like syndrome (MEGDEL). Also called: MEGDEL syndrome; 3-METHYLGLUTACONIC ACIDURIA, TYPE VI; SERAC1 Deficiency. Identifiers: Orphanet 352328, MedGen C4040739, MONDO:0013875, OMIM 614739.
Inborn genetic diseases. Identifiers: MedGen C0950123, MeSH D030342.

Allele frequency attached by ClinVar (database versions not stated): ESP Exome Variant Server 0.00008; gnomAD 0.00012 and 0.00014; gnomAD exomes 0.00012; TOPMed 0.00013; ExAC 0.00015.
gnomAD v4.1: 375 of 1,613,936 alleles (0.023%); highest among the groups gnomAD compares: Non-Finnish European, 0.028%; no homozygotes.

Submissions (5):

Labcorp Genetics (formerly Invitae), Labcorp
Classification: Uncertain significance for 3-methylglutaconic aciduria with deafness, encephalopathy, and Leigh-like syndrome. Last evaluated: 2025-09-15. Review status: criteria provided, single submitter. Criteria: Invitae Variant Classification Sherloc (09022015). Collection method: clinical testing. Allele origin: germline.
Comment: This sequence change replaces isoleucine, which is neutral and non-polar, with leucine, which is neutral and non-polar, at codon 495 of the SERAC1 protein (p.Ile495Leu). This variant is present in population databases (rs370591885, gnomAD 0.02%). This variant has not been reported in the literature in individuals affected with SERAC1-related conditions. ClinVar contains an entry for this variant (Variation ID: 215137). Invitae Evidence Modeling of protein sequence and biophysical properties (such as structural, functional, and spatial information, amino acid conservation, physicochemical variation, residue mobility, and thermodynamic stability) indicates that this missense variant is not expected to disrupt SERAC1 protein function with a negative predictive value of 80%. In summary, the available evidence is currently insufficient to determine the role of this variant in disease. Therefore, it has been classified as a Variant of Uncertain Significance.

CeGaT Center for Human Genetics Tuebingen
Classification: Uncertain significance. Last evaluated: 2025-06-01. Review status: criteria provided, single submitter. Criteria: CeGaT Center For Human Genetics Tuebingen Variant Classification Criteria Version 2. Collection method: clinical testing. Allele origin: germline. Affected: yes. Observed: 1 variant allele.
Comment: SERAC1: PM2, BP1

Mayo Clinic Laboratories, Mayo Clinic
Classification: Uncertain significance. Last evaluated: 2025-03-18. Review status: criteria provided, single submitter. Criteria: ACMG Guidelines, 2015. Collection method: clinical testing. Allele origin: germline. Observed: 1 variant allele.

GeneDx
Classification: Uncertain significance. Last evaluated: 2024-08-01. Review status: criteria provided, single submitter. Criteria: GeneDx Variant Classification Process June 2021. Collection method: clinical testing. Allele origin: germline. Affected: yes.
Comment: In silico analysis indicates that this missense variant does not alter protein structure/function; Has not been previously published as pathogenic or benign to our knowledge

Ambry Genetics
Classification: Uncertain significance for Inborn genetic diseases. Last evaluated: 2023-01-10. Review status: criteria provided, single submitter. Criteria: Ambry Variant Classification Scheme 2023. Collection method: clinical testing. Allele origin: germline.

NM_032861.4(SERAC1):c.1483A>C (p.Ile495Leu)

Gene: SERAC1 (serine active site containing 1; minus strand). Cytogenetic location: 6q25.3.
Variant type: single nucleotide variant.
Coding change: c.1483A>C on transcript NM_032861.4 (MANE Select); coding-DNA position 1483, A replaced by C.
Protein change: p.Ile495Leu; replaces isoleucine 495 with leucine.
Molecular consequence: missense variant. On other transcripts: non-coding transcript variant (1).
Genome position (GRCh38, 1-based): chr6:158,116,203, T>G on the plus strand (A>C on the coding strand, the complement: SERAC1 is on the minus strand). VCF-style: chr6-158116203-T-G. GRCh37 (hg19) VCF-style: chr6-158537235-T-G.
Other names: p.I495L:ATA>CTA; p.Ile495Leu; short protein forms I495L.
Identifiers: ClinVar variation 215137 (VCV000215137.20), dbSNP rs370591885, ClinGen allele CA321443.